The following is an entry in ClinVar:

NM_001457.4(FLNB):c.669G>A (p.Pro223=)

Gene: FLNB (filamin B; plus strand). Cytogenetic location: 3p14.3.
Variant type: single nucleotide variant.
Coding change: c.669G>A on transcript NM_001457.4 (MANE Select); coding-DNA position 669, G replaced by A.
Protein change: p.Pro223=; no amino-acid change (proline 223 retained).
Molecular consequence: synonymous variant.
Genome position (GRCh38, 1-based): chr3:58,081,658, G>A. VCF-style: chr3-58081658-G-A. GRCh37 (hg19) VCF-style: chr3-58067385-G-A.
Other names: c.669G>A, p.Pro223= (NM_001164317.2, NM_001164318.2, NM_001164319.2).
Identifiers: ClinVar variation 258118 (VCV000258118.15), dbSNP rs140815373, ClinGen allele CA2467596.

ClinVar aggregate classification (germline): Benign/Likely benign. Review status: criteria provided, multiple submitters, no conflicts (2 of 4 stars). 5 submissions from 5 submitters: Benign (3); Likely benign (2). Last evaluated 2026-02-02.

Conditions:
FLNB-Related Spectrum Disorders.

Allele frequency attached by ClinVar (database versions not stated): gnomAD exomes 0.00091 and 0.00181; ExAC 0.00184; 1000 Genomes Project 0.00459; gnomAD 0.00491 and 0.00527; 1000 Genomes Project 30x 0.00547; ESP Exome Variant Server 0.00554; TOPMed 0.00591.
gnomAD v4.1: 2,150 of 1,614,010 alleles (0.13%); highest among the groups gnomAD compares: African/African-American, 1.5%; 8 homozygotes.

Submissions (5):

Labcorp Genetics (formerly Invitae), Labcorp
Classification: Benign. Last evaluated: 2026-02-02. Review status: criteria provided, single submitter. Criteria: Invitae Variant Classification Sherloc (09022015). Collection method: clinical testing. Allele origin: germline.

ARUP Laboratories, Molecular Genetics and Genomics, ARUP Laboratories
Classification: Benign. Last evaluated: 2024-10-28. Review status: criteria provided, single submitter. Criteria: ARUP Molecular Germline Variant Investigation Process 2024. Collection method: clinical testing. Allele origin: germline.

Illumina Laboratory Services, Illumina
Classification: Likely benign for FLNB-Related Spectrum Disorders. Last evaluated: 2018-01-12. Review status: criteria provided, single submitter. Criteria: ICSL Variant Classification Criteria 13 December 2019. Collection method: clinical testing. Allele origin: germline.
Comment: This variant was observed in the ICSL laboratory as part of a predisposition screen in an ostensibly healthy population. It had not been previously curated by ICSL or reported in the Human Gene Mutation Database (HGMD: prior to June 1st, 2018), and was therefore a candidate for classification through an automated scoring system. Utilizing variant allele frequency, disease prevalence and penetrance estimates, and inheritance mode, an automated score was calculated to assess if this variant is too frequent to cause the disease. Based on the score and internal cut-off values, a variant classified as likely benign is not then subjected to further curation. The score for this variant resulted in a classification of likely benign for this disease.

GeneDx
Classification: Benign. Last evaluated: 2017-11-27. Review status: criteria provided, single submitter. Criteria: GeneDx Variant Classification (06012015). Collection method: clinical testing. Allele origin: germline. Affected: yes.
Comment: This variant is considered likely benign or benign based on one or more of the following criteria: it is a conservative change, it occurs at a poorly conserved position in the protein, it is predicted to be benign by multiple in silico algorithms, and/or has population frequency not consistent with disease.

PreventionGenetics, part of Exact Sciences
Classification: Likely benign. Review status: criteria provided, single submitter. Criteria: ACMG Guidelines, 2015. Collection method: clinical testing. Allele origin: germline.